The following is an entry in ClinVar:

ClinVar aggregate classification (germline): Likely benign (1 of 4 stars; one submission).

Allele frequency attached by ClinVar (database versions not stated): gnomAD exomes 0.00023; gnomAD 0.00029; ExAC 0.00036; ESP Exome Variant Server 0.00038.
gnomAD v4.1: 422 of 1,611,708 alleles (0.026%); highest among the groups gnomAD compares: Admixed American, 0.012%; no homozygotes.

Submission:

CeGaT Center for Human Genetics Tuebingen
Classification: Likely benign. Last evaluated: 2024-03-01. Review status: criteria provided, single submitter. Criteria: CeGaT Center For Human Genetics Tuebingen Variant Classification Criteria Version 2. Collection method: clinical testing. Allele origin: germline. Affected: yes. Observed: 2 variant alleles.
Comment: KMT2C: PP2, PP3, BS1

NM_170606.3(KMT2C):c.2675G>A (p.Gly892Glu)

Gene: KMT2C (lysine methyltransferase 2C; minus strand). Cytogenetic location: 7q36.1.
Variant type: single nucleotide variant.
Coding change: c.2675G>A on transcript NM_170606.3 (MANE Select); coding-DNA position 2675, G replaced by A.
Protein change: p.Gly892Glu; replaces glycine 892 with glutamic acid.
Molecular consequence: missense variant.
Genome position (GRCh38, 1-based): chr7:152,235,911, C>T on the plus strand (G>A on the coding strand, the complement: KMT2C is on the minus strand). VCF-style: chr7-152235911-C-T. GRCh37 (hg19) VCF-style: chr7-151932996-C-T.
Other names: short protein forms G892E.
Identifiers: ClinVar variation 2658234 (VCV002658234.24), dbSNP rs372408170, ClinGen allele CA4581087.